The following is an entry in ClinVar:

NM_000535.7(PMS2):c.1300C>A (p.Pro434Thr)

Gene: PMS2 (PMS1 homolog 2, mismatch repair system component; minus strand). Cytogenetic location: 7p22.1.
Variant type: single nucleotide variant.
Coding change: c.1300C>A on transcript NM_000535.7 (MANE Select); coding-DNA position 1300, C replaced by A.
Protein change: p.Pro434Thr; replaces proline 434 with threonine.
Molecular consequence: missense variant. On other transcripts: non-coding transcript variant (1).
Genome position (GRCh38, 1-based): chr7:5,987,465, G>T on the plus strand (C>A on the coding strand, the complement: PMS2 is on the minus strand). VCF-style: chr7-5987465-G-T. GRCh37 (hg19) VCF-style: chr7-6027096-G-T.
Other names: c.895C>A, p.Pro299Thr (NM_001322004.2, NM_001322005.2, NM_001322009.2 and 17 more transcripts); c.1144C>A, p.Pro382Thr (NM_001322006.2, NM_001406870.1); c.982C>A, p.Pro328Thr (NM_001322007.2, NM_001322008.2, NM_001406876.1 and 2 more transcripts); c.739C>A, p.Pro247Thr (NM_001322010.2, NM_001406906.1, NM_001406907.1); c.367C>A, p.Pro123Thr (NM_001322011.2, NM_001322012.2); c.727C>A, p.Pro243Thr (NM_001322013.2, NM_001406909.1); c.1300C>A, p.Pro434Thr (NM_001322014.2, NM_001406871.1, NM_001406872.1); c.991C>A, p.Pro331Thr (NM_001322015.2, NM_001406875.1, NM_001406877.1 and 5 more transcripts); and 12 more; short protein forms P276T, P442T, P496T, P263T, P279T, P331T, P368T, P123T.
Identifiers: ClinVar variation 1769394 (VCV001769394.2), dbSNP rs1583321885, ClinGen allele CA366742384.

ClinVar aggregate classification (germline): Uncertain significance (1 of 4 stars; one submission).

Conditions:
Hereditary cancer-predisposing syndrome. Also called: Hereditary Cancer Syndrome; Hereditary neoplastic syndrome; Neoplastic Syndromes, Hereditary; Tumor predisposition. Identifiers: Orphanet 140162, MedGen C0027672, MeSH D009386, MONDO:0015356.

Submission:

Ambry Genetics
Classification: Uncertain significance for Hereditary cancer-predisposing syndrome. Last evaluated: 2022-01-17. Review status: criteria provided, single submitter. Criteria: Ambry Variant Classification Scheme 2023. Collection method: clinical testing. Allele origin: germline.
Comment: The p.P434T variant (also known as c.1300C>A), located in coding exon 11 of the PMS2 gene, results from a C to A substitution at nucleotide position 1300. The proline at codon 434 is replaced by threonine, an amino acid with highly similar properties. This amino acid position is poorly conserved in available vertebrate species. In addition, this alteration is predicted to be tolerated by in silico analysis. Since supporting evidence is limited at this time, the clinical significance of this alteration remains unclear.